The following is an entry in ClinVar:

NM_000135.4(FANCA):c.3391A>G (p.Thr1131Ala)

Genes: FANCA (FA complementation group A; minus strand), LOC132090450 (Neanderthal introgressed variant-containing enhancer experimental_46718; plus strand). Cytogenetic location: 16q24.3.
Variant type: single nucleotide variant.
Coding change: c.3391A>G on transcript NM_000135.4 (MANE Select); coding-DNA position 3391, A replaced by G.
Protein change: p.Thr1131Ala; replaces threonine 1131 with alanine.
Molecular consequence: missense variant.
Genome position (GRCh38, 1-based): chr16:89,746,848, T>C on the plus strand (A>G on the coding strand, the complement: FANCA is on the minus strand). VCF-style: chr16-89746848-T-C. GRCh37 (hg19) VCF-style: chr16-89813256-T-C.
Other names: c.3391A>G, p.Thr1131Ala (NM_001286167.3); c.3391A>G (LRG_495t1, NM_000135.3); short protein forms T1131A.
Identifiers: ClinVar variation 237048 (VCV000237048.81), dbSNP rs574034197, ClinGen allele CA8251197.

ClinVar aggregate classification (germline): Pathogenic/Likely pathogenic. Review status: criteria provided, multiple submitters, no conflicts (2 of 4 stars). 18 submissions from 18 submitters: Pathogenic (14); Likely pathogenic (3). 1 of the submissions does not count toward it. Last evaluated 2026-10-01.

Conditions:
FANCA-related disorders.
Fanconi anemia (FA). Also called: Fanconi's anemia. Identifiers: Orphanet 84, MedGen C0015625, MeSH D005199, MONDO:0019391.
Fanconi anemia complementation group A (FANCA). Also called: FANCA-Related Fanconi Anemia; Fanconi anemia, group A. Identifiers: Orphanet 84, MedGen C3469521, MONDO:0009215, OMIM 227650.

Allele frequency attached by ClinVar (database versions not stated): gnomAD 0.00007 and 0.00009; ExAC 0.00008; gnomAD exomes 0.00009 and 0.00014; TOPMed 0.00009.
gnomAD v4.1: 199 of 1,563,312 alleles (0.013%); highest among the groups gnomAD compares: Non-Finnish European, 0.016%; no homozygotes.

Submissions 1 to 13 of 18:

St. Jude Molecular Pathology, St. Jude Children's Research Hospital
Classification: Likely pathogenic for Fanconi anemia complementation group A. Last evaluated: 2026-10-01. Review status: criteria provided, single submitter. Criteria: St. Jude Assertion Criteria 2020. Collection method: clinical testing. Allele origin: germline.
Comment: The FANCA c.3391A>G p.(Thr1131Ala) missense change has a maximum subpopulation frequency of 0.01% in gnomAD v2.1.1. The in silico tool REVEL predicts a deleterious effect on protein function. This variant was found to behave similar to wildtype in a functional study (PMID: 12444097). This variant has been reported in several individuals with Fanco ni anemia (PMID: 19367192, 22778927, 29098742). In summary, this variant meets criteria to be classified as likely pathogenic.Ã¢ € ¯

GeneDx
Classification: Pathogenic. Last evaluated: 2026-07-21. Review status: criteria provided, single submitter. Criteria: GeneDx Variant Classification Process June 2021. Collection method: clinical testing. Allele origin: germline.
Comment: Published functional studies demonstrate that the p.(T1131A) variant significantly decreases FANCD2 monoubiquitination (PMID: 28864460); In silico analysis supports that this missense variant has a deleterious effect on protein structure/function; This variant is associated with the following publications: (PMID: 40008663, 25525159, 1792455, 27577878, 12444097, 9371798, 19367192, 15643609, 17924555, 26556299, 35417938, 36493725, 36744932, 37865086, 36139606, 31192125, 33332384, 29641532, 22778927, 29098742, 28864460, 39037077, 37688579)

Labcorp Genetics (formerly Invitae), Labcorp
Classification: Pathogenic for Fanconi anemia. Last evaluated: 2025-12-16. Review status: criteria provided, single submitter. Criteria: Invitae Variant Classification Sherloc (09022015). Collection method: clinical testing. Allele origin: germline.
Comment: This sequence change replaces threonine, which is neutral and polar, with alanine, which is neutral and non-polar, at codon 1131 of the FANCA protein (p.Thr1131Ala). This variant is present in population databases (rs574034197, gnomAD 0.01%). This missense change has been observed in individual(s) with Fanconi anemia (PMID: 1792455, 1927896, 9371798, 12444097, 15643609, 19367192, 22778927). In at least one individual the data is consistent with being in trans (on the opposite chromosome) from a pathogenic variant. ClinVar contains an entry for this variant (Variation ID: 237048). Invitae Evidence Modeling of protein sequence and biophysical properties (such as structural, functional, and spatial information, amino acid conservation, physicochemical variation, residue mobility, and thermodynamic stability) indicates that this missense variant is not expected to disrupt FANCA protein function with a negative predictive value of 95%. Experimental studies have shown that this missense change does not substantially affect FANCA function (PMID: 12444097). For these reasons, this variant has been classified as Pathogenic.

Natera, Inc.
Classification: Pathogenic for Fanconi anemia. Last evaluated: 2025-08-03. Review status: criteria provided, single submitter. Criteria: Natera Variant Classification Schema (03/2026). Collection method: clinical testing. Allele origin: germline.
Comment: The c.3391A>G variant in FANCA is a missense variant predicted to cause substitution of threonine to alanine at amino acid 1131. This variant is rare in the general population with a frequency below the threshold expected for the associated phenotype(s). This variant has been observed in one or more individuals affected with the associated recessive disease, as either homozygous or compound heterozygous with a second variant (PMID: 22778927, 29098742). Computational prediction algorithms indicate this variant is likely to affect gene or protein function. Given the available evidence, this variant is classified as Pathogenic.

Women's Health and Genetics/Laboratory Corporation of America, LabCorp
Classification: Pathogenic for Fanconi anemia. Last evaluated: 2025-04-17. Review status: criteria provided, single submitter. Criteria: LabCorp Variant Classification Summary - May 2015. Collection method: clinical testing. Allele origin: germline.
Comment: Variant summary: FANCA c.3391A>G (p.Thr1131Ala) results in a non-conservative amino acid change in the encoded protein sequence. Five of five in-silico tools predict a damaging effect of the variant on protein function. The variant allele was found at a frequency of 8.7e-05 in 172798 control chromosomes. This frequency is not significantly higher than estimated for a pathogenic variant in FANCA causing Fanconi Anemia (8.7e-05 vs 0.0022), allowing no conclusion about variant significance. c.3391A>G has been observed in multiple individuals affected with Fanconi Anemia (ie Gille_2012, Adachi_2002, Wang_2023). These data indicate that the variant is very likely to be associated with disease. At least one publication reports experimental evidence evaluating an impact on protein function showing the variant to behave similar to wild-type in FANCA phosphorylation, interaction with FANCC, FANCF and FANCG and nuclear localization and FANCD2 monoubiquitination (Adachi_2002). ClinVar contains an entry for this variant (Variation ID: 237048). Based on the evidence outlined above, the variant was classified as pathogenic.

Revvity Omics, Revvity
Classification: Pathogenic for Fanconi anemia complementation group A. Last evaluated: 2025-03-19. Review status: criteria provided, single submitter. Criteria: ACMG Guidelines, 2015. Collection method: clinical testing. Allele origin: germline.

Blueprint Genetics
Classification: Pathogenic for FANCA-related disorders. Last evaluated: 2024-09-02. Review status: criteria provided, single submitter. Criteria: ACMG Guidelines, 2015. Collection method: clinical testing. Allele origin: germline. Affected: yes. Observed: 5 variant alleles.

Baylor Genetics
Classification: Pathogenic for Fanconi anemia complementation group A. Last evaluated: 2024-03-27. Review status: criteria provided, single submitter. Criteria: ACMG Guidelines, 2015. Collection method: clinical testing. Allele origin: unknown. Study: CSER-TexasKidsCanSeq.

Laboratory of Medical Genetics, National & Kapodistrian University of Athens
Classification: Pathogenic for Fanconi anemia complementation group A. Last evaluated: 2024-02-01. Review status: criteria provided, single submitter. Criteria: ACMG Guidelines, 2015. Collection method: curation. Allele origin: germline. Affected: no.

CeGaT Center for Human Genetics Tuebingen
Classification: Likely pathogenic. Last evaluated: 2023-10-01. Review status: criteria provided, single submitter. Criteria: CeGaT Center For Human Genetics Tuebingen Variant Classification Criteria Version 2. Collection method: clinical testing. Allele origin: germline. Affected: yes. Observed: 4 variant alleles.
Comment: FANCA: PM3:Strong, PM2

Quest Diagnostics Nichols Institute San Juan Capistrano
Classification: Pathogenic. Last evaluated: 2022-06-16. Review status: criteria provided, single submitter. Criteria: Quest Diagnostics criteria. Collection method: clinical testing. Allele origin: unknown.
Comment: The frequency of this variant in the general population, 0.00014 (12/85380 chromosomes), is consistent with pathogenicity. In the published literature, the variant has been reported in individuals with Fanconi anemia (FA) (PMIDs: 31192125 (2019), 29098742 (2018), 27577878 (2017), 22778927 (2012), 19367192 (2009), 17924555 (2008), 15643609 (2005)) and has been described affected individuals in the homozygous state as well as in trans with another pathogenic FANCA variant. One functional study suggests that this variant has similar properties as the wild-type in regards to phosphorylation and interaction with FANCC, but additional functional studies are needed to conclude this variant’s overall impact on gene and gene product (PMID: 12444097 (2002)). Analysis of this variant using bioinformatics tools for the prediction of the effect of amino acid changes on protein structure and function yielded predictions that this variant is damaging. Based on the available information, this variant is classified as pathogenic.

Fulgent Genetics
Classification: Pathogenic for Fanconi anemia complementation group A. Last evaluated: 2022-05-26. Review status: criteria provided, single submitter. Criteria: ACMG Guidelines, 2015. Collection method: clinical testing. Allele origin: unknown.

Sema4
Classification: Pathogenic for Fanconi anemia. Last evaluated: 2021-11-05. Review status: criteria provided, single submitter. Criteria: Sema4 Curation Guidelines. Collection method: curation. Allele origin: germline.
Comment: The FANCA c.3391A>G (p.T1131A) has been reported as compound heterozygous or as homozygous in numerous individuals with Fanconi anemia (PMID: 27577878, 29098742, 22778927, among others). One functional study demonstrated MMC hypersensitivity, protein localization, phosphorylation, interaction with other FANC complex subunits, and FANCD2 ubiquitination comparable to wild type (PMID: 12444097). Another demonstrated that this variant resulted in significantly decreased FANCD2 monoubiquitination and decreased quantity of FANCD2 foci before and after mitomyocin C treatment (PMID: 28864460). It was observed in 12/85380 chromosomes of the Non-Finnish European subpopulation, with 0 homozygotes, in the large and broad cohorts of the Genome Aggregation Database (PMID: 32461654). The variant has been reported in ClinVar (Variation ID: 237048). Based on the current evidence available, this variant is interpreted as pathogenic.